The following is an entry in ClinVar:

NC_000019.10:g.55999635G>A

Gene: NLRP5 (NLR family pyrin domain containing 5; plus strand). Cytogenetic location: 19q13.43.
Variant type: single nucleotide variant.
Genome position: GRCh38 VCF-style: chr19-55999635-G-A. GRCh37 (hg19) VCF-style: chr19-56511001-G-A.
Identifiers: ClinVar variation 102988 (VCV000102988.2), dbSNP rs199475760, ClinGen allele CA229954.

ClinVar aggregate classification (germline): not provided (0 of 4 stars; one submission).

Allele frequency attached by ClinVar (database versions not stated): gnomAD 0.00006; 1000 Genomes Project 30x 0.00016; TOPMed 0.00009; 1000 Genomes Project 0.00020.
gnomAD v4.1: 56 of 976,020 alleles (0.0057%); highest among the groups gnomAD compares: East Asian, 0.11%; 1 homozygote.

Submission:

Human Evolutionary Genetics, Institut Pasteur
No classification provided. Review status: no classification provided. Collection method: not provided. Allele origin: germline.
ClinVar note: Converted during submission from untested to not provided.